The following is an entry in ClinVar:

ClinVar aggregate classification (germline): Conflicting classifications of pathogenicity. Review status: criteria provided, conflicting classifications (1 of 4 stars). 3 submissions from 3 submitters: Uncertain significance (2); Likely benign (1). Last evaluated 2024-03-21.

Allele frequency attached by ClinVar (database versions not stated): gnomAD exomes below 0.00001; TOPMed below 0.00001.
gnomAD v4.1: 8 of 1,548,634 alleles (0.00052%); highest among the groups gnomAD compares: East Asian, 0.0049%; no homozygotes.

Submissions (3):

Ambry Genetics
Classification: Uncertain significance. Last evaluated: 2024-03-21. Review status: criteria provided, single submitter. Criteria: Ambry Variant Classification Scheme 2023. Collection method: clinical testing. Allele origin: germline.

Blueprint Genetics
Classification: Likely benign. Last evaluated: 2023-09-22. Review status: criteria provided, single submitter. Criteria: ACMG Guidelines, 2015. Collection method: clinical testing. Allele origin: germline.

Labcorp Genetics (formerly Invitae), Labcorp
Classification: Uncertain significance. Last evaluated: 2022-11-05. Review status: criteria provided, single submitter. Criteria: Invitae Variant Classification Sherloc (09022015). Collection method: clinical testing. Allele origin: germline.
Comment: In summary, the available evidence is currently insufficient to determine the role of this variant in disease. Therefore, it has been classified as a Variant of Uncertain Significance. Algorithms developed to predict the effect of missense changes on protein structure and function output the following: SIFT: "Tolerated"; PolyPhen-2: "Benign"; Align-GVGD: "Class C0". The glutamine amino acid residue is found in multiple mammalian species, which suggests that this missense change does not adversely affect protein function. This variant has not been reported in the literature in individuals affected with SAMD11-related conditions. The frequency data for this variant in the population databases is considered unreliable, as metrics indicate poor data quality at this position in the gnomAD database. This sequence change replaces arginine, which is basic and polar, with glutamine, which is neutral and polar, at codon 443 of the SAMD11 protein (p.Arg443Gln).

NM_001385641.1(SAMD11):c.1817G>A (p.Arg606Gln)

Gene: SAMD11 (sterile alpha motif domain containing 11; plus strand). Cytogenetic location: 1p36.33.
Variant type: single nucleotide variant.
Coding change: c.1817G>A on transcript NM_001385641.1 (MANE Select); coding-DNA position 1817, G replaced by A.
Protein change: p.Arg606Gln; replaces arginine 606 with glutamine.
Molecular consequence: missense variant.
Genome position (GRCh38, 1-based): chr1:942,822, G>A. VCF-style: chr1-942822-G-A. GRCh37 (hg19) VCF-style: chr1-878202-G-A.
Other names: c.1820G>A, p.Arg607Gln (NM_001385640.1); c.1328G>A, p.Arg443Gln (NM_152486.4); c.1328G>A (NM_152486.2); short protein forms R443Q, R606Q, R607Q.
Identifiers: ClinVar variation 2421646 (VCV002421646.8), dbSNP rs376745814, ClinGen allele CA16725164.